The following is an entry in ClinVar:

ClinVar aggregate classification (germline): Uncertain significance (1 of 4 stars; one submission).

Conditions:
Cardiovascular phenotype. Identifiers: MedGen CN230736.

gnomAD v4.1: 4 of 1,613,106 alleles (0.00025%); highest among the groups gnomAD compares: East Asian, 0.0022%; no homozygotes.

Submission:

Ambry Genetics
Classification: Uncertain significance for Cardiovascular phenotype. Last evaluated: 2025-09-02. Review status: criteria provided, single submitter. Criteria: Ambry Variant Classification Scheme 2023. Collection method: clinical testing. Allele origin: germline.
Comment: The c.1086+5G>A intronic variant results from a G to A substitution 5 nucleotides after coding exon 12 in the TXNRD2 gene. This nucleotide position is not well conserved in available vertebrate species. In silico splice site analysis predicts that this alteration will not have any significant effect on splicing. The evidence for this gene-disease relationship is limited; therefore, the clinical significance of this alteration is unclear.

NM_006440.5(TXNRD2):c.1086+5G>A

Gene: TXNRD2 (thioredoxin reductase 2; minus strand). Cytogenetic location: 22q11.21.
Variant type: single nucleotide variant.
Coding change: c.1086+5G>A on transcript NM_006440.5 (MANE Select); 5 bases into the intron after coding-DNA position 1086, G replaced by A.
Molecular consequence: intron variant.
Genome position (GRCh38, 1-based): chr22:19,883,320, C>T on the plus strand (G>A on the coding strand, the complement: TXNRD2 is on the minus strand). VCF-style: chr22-19883320-C-T. GRCh37 (hg19) VCF-style: chr22-19870843-C-T.
Other names: c.1083+5G>A (NM_001352300.2); c.798+5G>A (NM_001352302.2); c.996+5G>A (NM_001352301.2).
Identifiers: ClinVar variation 4194426 (VCV004194426.1).